The following is an entry in ClinVar:

ClinVar aggregate classification (germline): Pathogenic (1 of 4 stars; one submission).

Allele frequency attached by ClinVar (database versions not stated): gnomAD exomes below 0.00001.

Submission:

Labcorp Genetics (formerly Invitae), Labcorp
Classification: Pathogenic. Last evaluated: 2022-07-26. Review status: criteria provided, single submitter. Criteria: Invitae Variant Classification Sherloc (09022015). Collection method: clinical testing. Allele origin: germline.
Comment: For these reasons, this variant has been classified as Pathogenic. ClinVar contains an entry for this variant (Variation ID: 1021501). This variant has not been reported in the literature in individuals affected with PLK4-related conditions. This variant is present in population databases (no rsID available, gnomAD 0.0009%). This sequence change creates a premature translational stop signal (p.Cys560Leufs*28) in the PLK4 gene. It is expected to result in an absent or disrupted protein product. Loss-of-function variants in PLK4 are known to be pathogenic (PMID: 25320347, 30842647).

Literature cited by the submitters: PubMed 25320347; PubMed 30842647.

NM_014264.5(PLK4):c.1679del (p.Cys560fs)

Gene: PLK4 (polo like kinase 4; plus strand). Cytogenetic location: 4q28.1.
Variant type: Deletion.
Coding change: c.1679del on transcript NM_014264.5 (MANE Select); coding-DNA position 1679, one base deleted (G; older notation c.1679delG).
Protein change: p.Cys560fs; shifts the reading frame from cysteine 560.
Molecular consequence: frameshift variant.
Genome position (GRCh38, 1-based): chr4:127,890,085, G deleted. VCF-style (leftmost placement, unchanged base first): chr4-127890084-TG-T. GRCh37 (hg19) VCF-style: chr4-128811239-TG-T.
Other names: c.1583del, p.Cys528fs (NM_001190799.2); c.1556del, p.Cys519fs (NM_001190801.2); short protein forms C519fs, C528fs, C560fs.
Identifiers: ClinVar variation 1021501 (VCV001021501.5), dbSNP rs1560697035, ClinGen allele CA555019804.
Genomic context (GRCh38, chr4:127,890,084, plus strand): 5'-CAAAATACCATGAAATATATGACTGCACTTCACAGTAAACCTGAGATAATCCAACAAGAA[TG>T]TGTTTTTGGCTCAGATCCTCTTTCTGAACAGAGCAAGACTAGGGGTATGGAGCCACCATG-3'